The following is an entry in ClinVar:

ClinVar aggregate classification (germline): Conflicting classifications of pathogenicity. Review status: criteria provided, conflicting classifications (1 of 4 stars). 5 submissions from 5 submitters: Uncertain significance (1); Likely benign (4). Last evaluated 2025-10-01.

Conditions:
Autosomal recessive nonsyndromic hearing loss 9. Also called: NEUROSENSORY NONSYNDROMIC RECESSIVE DEAFNESS 9; Deafness, autosomal recessive 9; AUDITORY NEUROPATHY, AUTOSOMAL RECESSIVE, 1, TEMPERATURE-SENSITIVE; OTOF-Related Hearing Loss. Identifiers: Orphanet 90636, MedGen C1832828, MONDO:0010986, OMIM 601071.

Allele frequency attached by ClinVar (database versions not stated): gnomAD below 0.00001 and 0.00005; TOPMed below 0.00001; gnomAD exomes 0.00016; ExAC 0.00018; 1000 Genomes Project 0.00060; 1000 Genomes Project 30x 0.00062.
gnomAD v4.1: 99 of 1,614,160 alleles (0.0061%); highest among the groups gnomAD compares: South Asian, 0.1%; no homozygotes.

Submissions (5):

CeGaT Center for Human Genetics Tuebingen
Classification: Likely benign. Last evaluated: 2025-10-01. Review status: criteria provided, single submitter. Criteria: CeGaT Center For Human Genetics Tuebingen Variant Classification Criteria Version 2. Collection method: clinical testing. Allele origin: germline. Affected: yes. Observed: 1 variant allele.
Comment: OTOF: BP4

Labcorp Genetics (formerly Invitae), Labcorp
Classification: Likely benign. Last evaluated: 2024-02-29. Review status: criteria provided, single submitter. Criteria: Invitae Variant Classification Sherloc (09022015). Collection method: clinical testing. Allele origin: germline.

Blueprint Genetics
Classification: Likely benign. Last evaluated: 2023-08-08. Review status: criteria provided, single submitter. Criteria: ACMG Guidelines, 2015. Collection method: clinical testing. Allele origin: germline.

Illumina Laboratory Services, Illumina
Classification: Uncertain significance for Autosomal recessive nonsyndromic hearing loss 9. Last evaluated: 2018-01-12. Review status: criteria provided, single submitter. Criteria: ICSL Variant Classification Criteria 13 December 2019. Collection method: clinical testing. Allele origin: germline.

Laboratory for Molecular Medicine, Mass General Brigham Personalized Medicine
Classification: Likely benign. Last evaluated: 2017-08-23. Review status: criteria provided, single submitter. Criteria: LMM Criteria. Collection method: clinical testing. Allele origin: germline. Observed: 1 variant allele.
Comment: p.Asn1430Asn in exon 35 of OTOF: This variant is not expected to have clinical s ignificance because it does not alter an amino acid residue and it is not predic ted to impact splicing. It has been identified in 0.13% (22/16510) of South Asia n chromosomes by the Exome Aggregation Consortium (ExAC; dbSNP rs566846495).

NM_194248.3(OTOF):c.4290C>T (p.Asn1430=)

Gene: OTOF (otoferlin; minus strand). Cytogenetic location: 2p23.3.
Variant type: single nucleotide variant.
Coding change: c.4290C>T on transcript NM_194248.3 (MANE Select); coding-DNA position 4290, C replaced by T.
Protein change: p.Asn1430=; no amino-acid change (asparagine 1430 retained).
Molecular consequence: synonymous variant.
Genome position (GRCh38, 1-based): chr2:26,467,171, G>A on the plus strand (C>T on the coding strand, the complement: OTOF is on the minus strand). VCF-style: chr2-26467171-G-A. GRCh37 (hg19) VCF-style: chr2-26690039-G-A.
Other names: c.4290C>T, p.Asn1430= (NM_001287489.2); c.1989C>T, p.Asn663= (NM_004802.4, NM_194323.3); c.2220C>T, p.Asn740= (NM_194322.3).
Identifiers: ClinVar variation 335435 (VCV000335435.23), dbSNP rs566846495, ClinGen allele CA1563225.